The following is an entry in ClinVar:

ClinVar aggregate classification (germline): Uncertain significance (1 of 4 stars; one submission).

Conditions:
Progressive myoclonic epilepsy type 7. Identifiers: Orphanet 435438, MedGen C4015420, MONDO:0014521, OMIM 616187.

Allele frequency attached by ClinVar (database versions not stated): TOPMed below 0.00001; gnomAD 0.00001.
gnomAD v4.1: 3 of 1,551,240 alleles (0.00019%); highest among the groups gnomAD compares: African/African-American, 0.0014%; no homozygotes.

Submission:

Labcorp Genetics (formerly Invitae), Labcorp
Classification: Uncertain significance for Progressive myoclonic epilepsy type 7. Last evaluated: 2022-03-31. Review status: criteria provided, single submitter. Criteria: Invitae Variant Classification Sherloc (09022015). Collection method: clinical testing. Allele origin: germline.
Comment: In summary, the available evidence is currently insufficient to determine the role of this variant in disease. Therefore, it has been classified as a Variant of Uncertain Significance. Algorithms developed to predict the effect of missense changes on protein structure and function are either unavailable or do not agree on the potential impact of this missense change (SIFT: "Tolerated"; PolyPhen-2: "Possibly Damaging"; Align-GVGD: "Class C0"). This variant has not been reported in the literature in individuals affected with KCNC1-related conditions. This variant is present in population databases (no rsID available, gnomAD 0.01%). This sequence change replaces isoleucine, which is neutral and non-polar, with valine, which is neutral and non-polar, at codon 522 of the KCNC1 protein (p.Ile522Val).

NM_001112741.2(KCNC1):c.1564A>G (p.Ile522Val)

Gene: KCNC1 (potassium voltage-gated channel subfamily C member 1; plus strand). Cytogenetic location: 11p15.1.
Variant type: single nucleotide variant.
Coding change: c.1564A>G on transcript NM_001112741.2 (MANE Select); coding-DNA position 1564, A replaced by G.
Protein change: p.Ile522Val; replaces isoleucine 522 with valine.
Molecular consequence: missense variant.
Genome position (GRCh38, 1-based): chr11:17,779,515, A>G. VCF-style: chr11-17779515-A-G. GRCh37 (hg19) VCF-style: chr11-17801062-A-G.
Other names: short protein forms I522V.
Identifiers: ClinVar variation 1357338 (VCV001357338.8), dbSNP rs920182710, ClinGen allele CA218475240.